The following is an entry in ClinVar:

NM_174878.3(CLRN1):c.433+1105C>T

Gene: CLRN1 (clarin 1; minus strand). Cytogenetic location: 3q25.1.
Variant type: single nucleotide variant.
Coding change: c.433+1105C>T on transcript NM_174878.3 (MANE Select); 1105 bases into the intron after coding-DNA position 433, C replaced by T.
Molecular consequence: intron variant.
Genome position (GRCh38, 1-based): chr3:150,940,477, G>A on the plus strand (C>T on the coding strand, the complement: CLRN1 is on the minus strand). VCF-style: chr3-150940477-G-A. GRCh37 (hg19) VCF-style: chr3-150658264-G-A.
Other names: c.205+1105C>T (NM_052995.2); c.472+4C>T (NM_001195794.1); c.*47+1105C>T (NM_001256819.2).
Identifiers: ClinVar variation 226524 (VCV000226524.10), dbSNP rs16846663, ClinGen allele CA2666048.

ClinVar aggregate classification (germline): Benign. Review status: criteria provided, multiple submitters, no conflicts (2 of 4 stars). 6 submissions from 6 submitters: Benign (6). Last evaluated 2021-06-15.

Conditions:
Usher syndrome type 3A (USH3A). Also called: USHER SYNDROME, TYPE IIIA. Identifiers: MedGen C5779850, MONDO:0010170, OMIM 276902.

Allele frequency attached by ClinVar (database versions not stated): 1000 Genomes Project 0.08726; 1000 Genomes Project 30x 0.08245; gnomAD 0.03733; TOPMed 0.03452; ExAC 0.03353; gnomAD exomes 0.04924.
gnomAD v4.1: 28,435 of 1,534,678 alleles (1.9%); highest among the groups gnomAD compares: East Asian, 31%; 2,490 homozygotes.

Submissions (6):

Pars Genome Lab
Classification: Benign for Usher syndrome type 3A. Last evaluated: 2021-06-15. Review status: criteria provided, single submitter. Criteria: ACMG Guidelines, 2015. Collection method: clinical testing. Allele origin: germline. Affected: no.

Athena Diagnostics
Classification: Benign. Last evaluated: 2019-02-20. Review status: criteria provided, single submitter. Criteria: Athena Diagnostics Criteria. Collection method: clinical testing. Allele origin: germline.

GeneDx
Classification: Benign. Last evaluated: 2018-06-15. Review status: criteria provided, single submitter. Criteria: GeneDx Variant Classification (06012015). Collection method: clinical testing. Allele origin: germline. Affected: yes.
Comment: This variant is considered likely benign or benign based on one or more of the following criteria: it is a conservative change, it occurs at a poorly conserved position in the protein, it is predicted to be benign by multiple in silico algorithms, and/or has population frequency not consistent with disease.

Laboratory for Molecular Medicine, Mass General Brigham Personalized Medicine
Classification: Benign. Last evaluated: 2015-05-05. Review status: criteria provided, single submitter. Criteria: LMM Criteria. Collection method: clinical testing. Allele origin: germline. Observed: 79 variant alleles.
Comment: c.472+4C>T in intron 3 of CLRN1: This variant is not expected to have clinical s ignificance because it has been identified at high frequency in multiple populat ions, including in 3.7% (275/7400) of South Asian chromosomes by the Exome Aggre gation Consortium (ExAC; dbSNP rs16846663).

Breakthrough Genomics
Classification: Benign. Review status: criteria provided, single submitter. Criteria: ACMG Guidelines, 2015. Collection method: not provided. Allele origin: germline. Inheritance: Autosomal recessive inheritance. Affected: yes.

PreventionGenetics, part of Exact Sciences
Classification: Benign. Review status: criteria provided, single submitter. Criteria: ACMG Guidelines, 2015. Collection method: clinical testing. Allele origin: germline.